The following is an entry in ClinVar:

ClinVar aggregate classification (germline): Uncertain significance. Review status: criteria provided, multiple submitters, no conflicts (2 of 4 stars). 2 submissions from 2 submitters: Uncertain significance (2). Last evaluated 2026-03-23.

Conditions:
Hereditary cancer-predisposing syndrome. Also called: Tumor predisposition; Neoplastic Syndromes, Hereditary; Hereditary Cancer Syndrome; Hereditary neoplastic syndrome. Identifiers: Orphanet 140162, MedGen C0027672, MeSH D009386, MONDO:0015356.

Submissions (2):

Ambry Genetics
Classification: Uncertain significance for Hereditary cancer-predisposing syndrome. Last evaluated: 2026-03-23. Review status: criteria provided, single submitter. Criteria: Ambry Variant Classification Scheme 2023. Collection method: clinical testing. Allele origin: germline.
Comment: The p.D179G variant (also known as c.536A>G), located in coding exon 4 of the FH gene, results from an A to G substitution at nucleotide position 536. The aspartic acid at codon 179 is replaced by glycine, an amino acid with similar properties. This amino acid position is highly conserved in available vertebrate species. In addition, this alteration is predicted to be deleterious by in silico analysis. Based on the available evidence, the clinical significance of this variant remains unclear.

Labcorp Genetics (formerly Invitae), Labcorp
Classification: Uncertain significance. Last evaluated: 2025-03-23. Review status: criteria provided, single submitter. Criteria: Invitae Variant Classification Sherloc (09022015). Collection method: clinical testing. Allele origin: germline.
Comment: This sequence change replaces aspartic acid, which is acidic and polar, with glycine, which is neutral and non-polar, at codon 179 of the FH protein (p.Asp179Gly). This variant is not present in population databases (gnomAD no frequency). This variant has not been reported in the literature in individuals affected with FH-related conditions. ClinVar contains an entry for this variant (Variation ID: 1514638). Invitae Evidence Modeling of protein sequence and biophysical properties (such as structural, functional, and spatial information, amino acid conservation, physicochemical variation, residue mobility, and thermodynamic stability) indicates that this missense variant is expected to disrupt FH protein function with a positive predictive value of 95%. In summary, the available evidence is currently insufficient to determine the role of this variant in disease. Therefore, it has been classified as a Variant of Uncertain Significance.

NM_000143.4(FH):c.536A>G (p.Asp179Gly)

Gene: FH (fumarate hydratase; minus strand). Cytogenetic location: 1q43.
Variant type: single nucleotide variant.
Coding change: c.536A>G on transcript NM_000143.4 (MANE Select); coding-DNA position 536, A replaced by G.
Protein change: p.Asp179Gly; replaces aspartic acid 179 with glycine.
Molecular consequence: missense variant.
Genome position (GRCh38, 1-based): chr1:241,511,986, T>C on the plus strand (A>G on the coding strand, the complement: FH is on the minus strand). VCF-style: chr1-241511986-T-C. GRCh37 (hg19) VCF-style: chr1-241675286-T-C.
Other names: short protein forms D179G.
Identifiers: ClinVar variation 1514638 (VCV001514638.12), dbSNP rs2147921775, ClinGen allele CA345439884.